The following is an entry in ClinVar:

ClinVar aggregate classification (germline): Likely benign (1 of 4 stars; one submission).

Allele frequency attached by ClinVar (database versions not stated): gnomAD exomes below 0.00001 and 0.00001; ExAC 0.00001.
gnomAD v4.1: 3 of 1,206,761 alleles (0.00025%); highest among the groups gnomAD compares: Non-Finnish European, 0.00034%; no homozygotes.

Submission:

GeneDx
Classification: Likely benign. Last evaluated: 2017-08-25. Review status: criteria provided, single submitter. Criteria: GeneDx Variant Classification (06012015). Collection method: clinical testing. Allele origin: germline. Affected: yes.
Comment: This variant is considered likely benign or benign based on one or more of the following criteria: it is a conservative change, it occurs at a poorly conserved position in the protein, it is predicted to be benign by multiple in silico algorithms, and/or has population frequency not consistent with disease.

NM_002637.4(PHKA1):c.1407C>T (p.Tyr469=)

Gene: PHKA1 (phosphorylase kinase regulatory subunit alpha 1; minus strand). Cytogenetic location: Xq13.1.
Variant type: single nucleotide variant.
Coding change: c.1407C>T on transcript NM_002637.4 (MANE Select); coding-DNA position 1407, C replaced by T.
Protein change: p.Tyr469=; no amino-acid change (tyrosine 469 retained).
Molecular consequence: synonymous variant.
Genome position (GRCh38, 1-based): chrX:72,644,414, G>A on the plus strand (C>T on the coding strand, the complement: PHKA1 is on the minus strand). VCF-style: chrX-72644414-G-A. GRCh37 (hg19) VCF-style: chrX-71864264-G-A.
Other names: c.1407C>T, p.Tyr469= (NM_001122670.2, NM_001172436.2).
Identifiers: ClinVar variation 511628 (VCV000511628.1), dbSNP rs782548478, ClinGen allele CA10450871.